The following is an entry in ClinVar:

ClinVar aggregate classification (germline): Pathogenic (1 of 4 stars; one submission).

Conditions:
Hereditary cancer-predisposing syndrome. Also called: Neoplastic Syndromes, Hereditary; Hereditary neoplastic syndrome; Hereditary Cancer Syndrome; Tumor predisposition. Identifiers: Orphanet 140162, MedGen C0027672, MeSH D009386, MONDO:0015356.

Submission:

Ambry Genetics
Classification: Pathogenic for Hereditary cancer-predisposing syndrome. Last evaluated: 2026-07-06. Review status: criteria provided, single submitter. Criteria: Ambry Variant Classification Scheme 2023. Collection method: clinical testing. Allele origin: germline.
Comment: The c.529_530delCT pathogenic mutation, located in coding exon 2 of the MEN1 gene, results from a deletion of two nucleotides at nucleotide positions 529 to 530, causing a translational frameshift with a predicted alternate stop codon (p.L177Vfs*2). This variant was reported in individual(s) with features consistent with Multiple endocrine neoplasia type 1 (Ambry internal data). This variant is considered to be rare based on population cohorts in the Genome Aggregation Database (gnomAD). This variant is expected to result in loss of function by premature protein truncation or nonsense-mediated mRNA decay. As such, this variant is interpreted as a disease-causing mutation.

NM_001370259.2(MEN1):c.529_530del (p.Leu177fs)

Gene: MEN1 (menin 1; minus strand). Cytogenetic location: 11q13.1.
Variant type: Deletion.
Coding change: c.529_530del on transcript NM_001370259.2 (MANE Select); coding-DNA positions 529 to 530, 2 bases deleted (CT; older notation c.529_530delCT).
Protein change: p.Leu177fs; shifts the reading frame from leucine 177.
Molecular consequence: frameshift variant.
Genome position (GRCh38, 1-based): chr11:64,808,015-64,808,016, AG deleted on the plus strand (CT on the coding strand, the reverse complement: MEN1 is on the minus strand). VCF-style (leftmost placement, unchanged base first): chr11-64808014-CAG-C. GRCh37 (hg19) VCF-style: chr11-64575486-CAG-C.
Other names: c.529_530delCT (NM_130799.2); c.544_545del, p.Leu182fs (NM_000244.4, NM_130800.3, NM_130801.3 and 3 more transcripts); c.529_530del, p.Leu177fs (NM_001370251.2, NM_001370260.2, NM_001370261.2 and 3 more transcripts); short protein forms L182fs, L177fs.
Identifiers: ClinVar variation 428004 (VCV000428004.5), dbSNP rs1114167470, ClinGen allele CA645369574.
Genomic context (GRCh38, chr11:64,808,014, plus strand): 5'-GGTGACCTCAGCTGTCTGCTCCCCATTGGGCCCAAACACTACCCAGGCATGATCCTCAGA[CAG>C]GGCGAGGTGGACATCCCGGAGACCCAGGGCCTGGCAGGCCCCAACCACAGCAAAGGCCAC-3'